The following is an entry in ClinVar:

ClinVar aggregate classification (germline): Uncertain significance (0 of 4 stars; one submission).

Conditions:
RPL5-related disorder. Also called: RPL5-related condition.

gnomAD v4.1: 17 of 1,613,582 alleles (0.0011%); highest among the groups gnomAD compares: Non-Finnish European, 0.0014%; no homozygotes.

Submission:

PreventionGenetics, part of Exact Sciences
Classification: Uncertain significance for RPL5-related condition. Last evaluated: 2024-06-25. Review status: no assertion criteria provided. Collection method: clinical testing. Allele origin: germline.
Comment: The RPL5 c.74A>G variant is predicted to result in the amino acid substitution p.Glu25Gly. To our knowledge, this variant has not been reported in the literature or in a large population database, indicating it is rare. At this time, the clinical significance of this variant is uncertain due to the absence of conclusive functional and genetic evidence.

NM_000969.5(RPL5):c.74A>G (p.Glu25Gly)

Genes: DIPK1A (divergent protein kinase domain 1A; minus strand), RPL5 (ribosomal protein L5; plus strand). Cytogenetic location: 1p22.1.
Variant type: single nucleotide variant.
Coding change: c.74A>G on transcript NM_000969.5 (MANE Select); coding-DNA position 74, A replaced by G.
Protein change: p.Glu25Gly; replaces glutamic acid 25 with glycine.
Molecular consequence: missense variant. On other transcripts: non-coding transcript variant (1), intron variant (1).
Genome position (GRCh38, 1-based): chr1:92,833,545, A>G. VCF-style: chr1-92833545-A-G. GRCh37 (hg19) VCF-style: chr1-93299102-A-G.
Other names: c.475-511T>C (NM_001252273.2); short protein forms E25G.
Identifiers: ClinVar variation 3347401 (VCV003347401.1).